The following is an entry in ClinVar:

NM_020964.3(EPG5):c.1907A>G (p.Tyr636Cys)

Gene: EPG5 (ectopic P-granules 5 autophagy tethering factor; minus strand). Cytogenetic location: 18q21.1.
Variant type: single nucleotide variant.
Coding change: c.1907A>G on transcript NM_020964.3 (MANE Select); coding-DNA position 1907, A replaced by G.
Protein change: p.Tyr636Cys; replaces tyrosine 636 with cysteine.
Molecular consequence: missense variant.
Genome position (GRCh38, 1-based): chr18:45,943,197, T>C on the plus strand (A>G on the coding strand, the complement: EPG5 is on the minus strand). VCF-style: chr18-45943197-T-C. GRCh37 (hg19) VCF-style: chr18-43523163-T-C.
Other names: short protein forms Y636C.
Identifiers: ClinVar variation 1380218 (VCV001380218.7), dbSNP rs2145906346, ClinGen allele CA402348308.

ClinVar aggregate classification (germline): Uncertain significance (1 of 4 stars; one submission).

Conditions:
Vici syndrome (VICIS). Identifiers: Orphanet 1493, MedGen C1855772, MONDO:0009452, OMIM 242840.

gnomAD v4.1: 3 of 1,614,162 alleles (0.00019%); highest among the groups gnomAD compares: Non-Finnish European, 0.00025%; no homozygotes.

Submission:

Labcorp Genetics (formerly Invitae), Labcorp
Classification: Uncertain significance for Vici syndrome. Last evaluated: 2021-12-15. Review status: criteria provided, single submitter. Criteria: Invitae Variant Classification Sherloc (09022015). Collection method: clinical testing. Allele origin: germline.
Comment: This sequence change replaces tyrosine, which is neutral and polar, with cysteine, which is neutral and slightly polar, at codon 636 of the EPG5 protein (p.Tyr636Cys). This variant is not present in population databases (gnomAD no frequency). This variant has not been reported in the literature in individuals affected with EPG5-related conditions. Algorithms developed to predict the effect of missense changes on protein structure and function are either unavailable or do not agree on the potential impact of this missense change (SIFT: "Deleterious"; PolyPhen-2: "Probably Damaging"; Align-GVGD: "Class C0"). In summary, the available evidence is currently insufficient to determine the role of this variant in disease. Therefore, it has been classified as a Variant of Uncertain Significance.